The following is an entry in ClinVar:

NM_001083962.2(TCF4):c.776C>T (p.Pro259Leu)

Gene: TCF4 (transcription factor 4; minus strand). Cytogenetic location: 18q21.2.
Variant type: single nucleotide variant.
Coding change: c.776C>T on transcript NM_001083962.2 (MANE Select); coding-DNA position 776, C replaced by T.
Protein change: p.Pro259Leu; replaces proline 259 with leucine.
Molecular consequence: missense variant.
Genome position (GRCh38, 1-based): chr18:55,275,632, G>A on the plus strand (C>T on the coding strand, the complement: TCF4 is on the minus strand). VCF-style: chr18-55275632-G-A. GRCh37 (hg19) VCF-style: chr18-52942863-G-A.
Other names: c.296C>T, p.Pro99Leu (NM_001243236.2, NM_001348214.2, NM_001243234.2 and 2 more transcripts); c.704C>T, p.Pro235Leu (NM_001306207.1, NM_001369575.1, NM_001369577.1 and 9 more transcripts); c.563C>T, p.Pro188Leu (NM_001306208.1, NM_001243232.1); c.776C>T, p.Pro259Leu (NM_001330604.3, NM_001369571.1, NM_001369572.1 and 4 more transcripts); c.386C>T, p.Pro129Leu (NM_001330605.3, NM_001348212.2, NM_001348213.2 and 1 more transcripts); c.650C>T, p.Pro217Leu (NM_001348211.2, NM_001243231.2); c.128C>T, p.Pro43Leu (NM_001348215.2); c.773C>T, p.Pro258Leu (NM_001369573.1, NM_001369569.1, NM_001369570.1); and 4 more; short protein forms P257L, P265L, P188L, P99L, P129L, P217L, P234L, P258L.
Identifiers: ClinVar variation 2097745 (VCV002097745.4), dbSNP rs2512664294, ClinGen allele CA402701416.

ClinVar aggregate classification (germline): Uncertain significance (1 of 4 stars; one submission).

Conditions:
Pitt-Hopkins syndrome (PTHS). Also called: ENCEPHALOPATHY, SEVERE EPILEPTIC, WITH AUTONOMIC DYSFUNCTION; MENTAL RETARDATION, SYNDROMAL, WITH INTERMITTENT HYPERVENTILATION. Identifiers: Orphanet 2896, MedGen C1970431, MONDO:0012589, OMIM 610954.

Submission:

Labcorp Genetics (formerly Invitae), Labcorp
Classification: Uncertain significance for Pitt-Hopkins syndrome. Last evaluated: 2022-02-27. Review status: criteria provided, single submitter. Criteria: Invitae Variant Classification Sherloc (09022015). Collection method: clinical testing. Allele origin: germline.
Comment: In summary, the available evidence is currently insufficient to determine the role of this variant in disease. Therefore, it has been classified as a Variant of Uncertain Significance. Algorithms developed to predict the effect of missense changes on protein structure and function are either unavailable or do not agree on the potential impact of this missense change (SIFT: "Deleterious"; PolyPhen-2: "Benign"; Align-GVGD: "Class C65"). This variant has not been reported in the literature in individuals affected with TCF4-related conditions. This variant is not present in population databases (gnomAD no frequency). This sequence change replaces proline, which is neutral and non-polar, with leucine, which is neutral and non-polar, at codon 259 of the TCF4 protein (p.Pro259Leu).